The following is an entry in ClinVar:

NM_205861.3(DHDDS):c.979C>T (p.Arg327Cys)

Gene: DHDDS (dehydrodolichyl diphosphate synthase subunit; plus strand). Cytogenetic location: 1p36.11.
Variant type: single nucleotide variant.
Coding change: c.979C>T on transcript NM_205861.3 (MANE Select); coding-DNA position 979, C replaced by T.
Protein change: p.Arg327Cys; replaces arginine 327 with cysteine.
Molecular consequence: missense variant.
Genome position (GRCh38, 1-based): chr1:26,469,108, C>T. VCF-style: chr1-26469108-C-T. GRCh37 (hg19) VCF-style: chr1-26795599-C-T.
Other names: c.877C>T, p.Arg293Cys (NM_001243564.2); c.862C>T, p.Arg288Cys (NM_001243565.2); c.700C>T, p.Arg234Cys (NM_001319959.2); c.982C>T, p.Arg328Cys (NM_024887.4); short protein forms R328C, R234C, R288C, R327C, R293C.
Identifiers: ClinVar variation 1398134 (VCV001398134.8), dbSNP rs758618507, ClinGen allele CA705505.
Genomic context (GRCh38, chr1:26,469,108, plus strand): 5'-GAAGAGCGAGTCCAAGGCTTCCTGCAGGCCTTGGAACTCAAGCGAGCTGACTGGCTGGCC[C>T]GTCTGGGCACTGCATCAGCCTGAATGAGGCTGGCCACCTGCCACTTTGCCCTGCCCTCTG-3'
Protein context (NP_995583.1, residues 317-333): LELKRADWLA[Arg327Cys]LGTASA

ClinVar aggregate classification (germline): Uncertain significance. Review status: criteria provided, multiple submitters, no conflicts (2 of 4 stars). 3 submissions from 3 submitters: Uncertain significance (3). Last evaluated 2025-12-01.

Conditions:
Retinal dystrophy. Also called: Inherited retinal dystrophy. Identifiers: Orphanet 71862, MedGen C0854723, MeSH D058499, MONDO:0019118, HP:0000556.
Retinitis pigmentosa 59 (RP59). Identifiers: Orphanet 791, MedGen C3151227, MONDO:0013468, OMIM 613861.

gnomAD v4.1: 15 of 1,612,288 alleles (0.00093%); highest among the groups gnomAD compares: East Asian, 0.0067%; no homozygotes.

Submissions (3):

Labcorp Genetics (formerly Invitae), Labcorp
Classification: Uncertain significance for Retinitis pigmentosa 59. Last evaluated: 2025-12-01. Review status: criteria provided, single submitter. Criteria: Invitae Variant Classification Sherloc (09022015). Collection method: clinical testing. Allele origin: germline.
Comment: This sequence change replaces arginine, which is basic and polar, with cysteine, which is neutral and slightly polar, at codon 328 of the DHDDS protein (p.Arg328Cys). This variant is present in population databases (no rsID available, gnomAD 0.006%). This variant has not been reported in the literature in individuals affected with DHDDS-related conditions. ClinVar contains an entry for this variant (Variation ID: 1398134). An algorithm developed to predict the effect of missense changes on protein structure and function (PolyPhen-2) suggests that this variant is likely to be tolerated. In summary, the available evidence is currently insufficient to determine the role of this variant in disease. Therefore, it has been classified as a Variant of Uncertain Significance.

Blueprint Genetics
Classification: Uncertain significance. Last evaluated: 2024-06-10. Review status: criteria provided, single submitter. Criteria: ACMG Guidelines, 2015. Collection method: clinical testing. Allele origin: germline.

Dept Of Ophthalmology, Nagoya University
Classification: Uncertain significance for Retinal dystrophy. Last evaluated: 2023-10-01. Review status: criteria provided, single submitter. Criteria: Submitter's publication. Collection method: research. Allele origin: germline. Affected: yes.